The following is an entry in ClinVar:

ClinVar aggregate classification (germline): Conflicting classifications of pathogenicity. Review status: criteria provided, conflicting classifications (1 of 4 stars). 5 submissions from 5 submitters: Uncertain significance (2); Likely benign (3). Last evaluated 2026-02-17.

Conditions:
Left ventricular noncompaction 8 (LVNC8). Identifiers: Orphanet 154, Orphanet 54260, MedGen C3809288, MONDO:0014152, OMIM 615373.

Allele frequency attached by ClinVar (database versions not stated): gnomAD exomes 0.00003 and 0.00009; 1000 Genomes Project 30x 0.00016; ExAC 0.00032; gnomAD 0.00040 and 0.00045; ESP Exome Variant Server 0.00043; TOPMed 0.00048.
gnomAD v4.1: 113 of 1,484,470 alleles (0.0076%); highest among the groups gnomAD compares: African/African-American, 0.13%; no homozygotes.

Submissions (5):

Women's Health and Genetics/Laboratory Corporation of America, LabCorp
Classification: Likely benign. Last evaluated: 2026-02-17. Review status: criteria provided, single submitter. Criteria: LabCorp Variant Classification Summary - May 2015. Collection method: clinical testing. Allele origin: germline.
Comment: Variant summary: PRDM16 c.2576C>T (p.Ser859Leu) results in a non-conservative amino acid change in the encoded protein sequence. Algorithms developed to predict the effect of missense changes on protein structure and function are either unavailable or do not agree on the potential impact of this missense change. The variant allele was found at a frequency of 7.6e-05 in 1484470 control chromosomes, predominantly at a frequency of 0.0013 within the African or African-American subpopulation in the gnomAD database. The observed variant frequency within African or African-American control individuals in the gnomAD database exceeds the estimated maximal expected allele frequency for disease-causing variants in PRDM16. c.2576C>T has been observed in a case of sudden unexplained death in infancy (Hertz_2016). This report does not provide unequivocal conclusions about association of the variant with Cardiomyopathy. To our knowledge, no experimental evidence demonstrating an impact on protein function has been reported. The following publication has been ascertained in the context of this evaluation (PMID: 26350513). ClinVar contains an entry for this variant (Variation ID: 229164). Based on the evidence outlined above, the variant was classified as likely benign.

Labcorp Genetics (formerly Invitae), Labcorp
Classification: Uncertain significance for Left ventricular noncompaction 8. Last evaluated: 2026-02-01. Review status: criteria provided, single submitter. Criteria: Invitae Variant Classification Sherloc (09022015). Collection method: clinical testing. Allele origin: germline.
Comment: This sequence change replaces serine, which is neutral and polar, with leucine, which is neutral and non-polar, at codon 859 of the PRDM16 protein (p.Ser859Leu). The frequency data for this variant in the population databases is considered unreliable, as metrics indicate poor data quality at this position in the gnomAD database. This missense change has been observed in individual(s) with sudden unexplained death (PMID: 26350513). ClinVar contains an entry for this variant (Variation ID: 229164). An algorithm developed to predict the effect of missense changes on protein structure and function (PolyPhen-2) suggests that this variant is likely to be tolerated. In summary, the available evidence is currently insufficient to determine the role of this variant in disease. Therefore, it has been classified as a Variant of Uncertain Significance.

Blueprint Genetics
Classification: Likely benign. Last evaluated: 2023-12-14. Review status: criteria provided, single submitter. Criteria: ACMG Guidelines, 2015. Collection method: clinical testing. Allele origin: germline.

GeneDx
Classification: Likely benign. Last evaluated: 2020-01-15. Review status: criteria provided, single submitter. Criteria: GeneDx Variant Classification Process June 2021. Collection method: clinical testing. Allele origin: germline. Affected: yes.
Comment: This variant is associated with the following publications: (PMID: 26350513)

Laboratory for Molecular Medicine, Mass General Brigham Personalized Medicine
Classification: Uncertain significance. Last evaluated: 2015-06-10. Review status: criteria provided, single submitter. Criteria: LMM Criteria. Collection method: clinical testing. Allele origin: germline. Observed: 1 variant allele.
Comment: The p.Ser859Leu variant in PRDM16 has not been previously reported in individual s with cardiomyopathy, but has been identified in 0.1% (5/3715) of African Ameri can chromosomes by the NHLBI Exome Sequencing Project (. edu/EVS/; dbSNP rs370046582). Computational prediction tools and conservation an alysis suggest that the p.Ser859Leu variant may impact the protein, though this information is not predictive enough to determine pathogenicity. In summary, the clinical significance of the p.Ser859Leu variant is uncertain.

Literature cited by the submitters: PubMed 26350513 (cited by Women's Health and Genetics/Laboratory Corporation of America, LabCorp and Labcorp Genetics (formerly Invitae), Labcorp).

NM_022114.4(PRDM16):c.2576C>T (p.Ser859Leu)

Gene: PRDM16 (PR/SET domain 16; plus strand). Cytogenetic location: 1p36.32.
Variant type: single nucleotide variant.
Coding change: c.2576C>T on transcript NM_022114.4 (MANE Select); coding-DNA position 2576, C replaced by T.
Protein change: p.Ser859Leu; replaces serine 859 with leucine.
Molecular consequence: missense variant.
Genome position (GRCh38, 1-based): chr1:3,412,773, C>T. VCF-style: chr1-3412773-C-T. GRCh37 (hg19) VCF-style: chr1-3329337-C-T.
Other names: c.2576C>T, p.Ser859Leu (NM_199454.3); short protein forms S859L.
Identifiers: ClinVar variation 229164 (VCV000229164.16), dbSNP rs370046582, ClinGen allele CA544512.